The following is an entry in ClinVar:

NC_000016.9:g.(?_89828347)_(89846375_?)dup

Gene: FANCA (FA complementation group A; minus strand). Cytogenetic location: 16q24.3.
Variant type: Duplication.
Identifiers: ClinVar variation 2422423 (VCV002422423.4).

ClinVar aggregate classification (germline): Likely pathogenic (1 of 4 stars; one submission).

Conditions:
Fanconi anemia (FA). Also called: Fanconi's anemia. Identifiers: Orphanet 84, MedGen C0015625, MeSH D005199, MONDO:0019391.

Submission:

Labcorp Genetics (formerly Invitae), Labcorp
Classification: Likely pathogenic for Fanconi anemia. Last evaluated: 2022-01-31. Review status: criteria provided, single submitter. Criteria: Invitae Variant Classification Sherloc (09022015). Collection method: clinical testing. Allele origin: germline.
Comment: In summary, the currently available evidence indicates that the variant is pathogenic, but additional data are needed to prove that conclusively. Therefore, this variant has been classified as Likely Pathogenic. This variant has not been reported in the literature in individuals affected with FANCA-related conditions. This variant results in a copy number gain of the genomic region encompassing exon(s) 18-29 of the FANCA gene. While the exact position of this variant cannot be determined from the data, sub-genic copy number gains are generally in tandem (PMID: 25640679). This variant is predicted to be out-of-frame, and may result in an absent or disrupted protein product. Loss-of-function variants in FANCA are known to be pathogenic (PMID: 19367192).

Literature cited by the submitters: PubMed 25640679; PubMed 19367192.